The following is an entry in ClinVar:

ClinVar aggregate classification (germline): Conflicting classifications of pathogenicity. Review status: criteria provided, conflicting classifications (1 of 4 stars). 2 submissions from 2 submitters: Uncertain significance (1); Likely benign (1). Last evaluated 2023-03-23.

Conditions:
Hereditary breast ovarian cancer syndrome. Also called: Hereditary breast and ovarian cancer syndrome (HBOC); Hereditary breast and ovarian cancer syndrome; Breast and ovarian cancer; Hereditary breast and/or ovarian cancer syndrome; Hereditary breast and ovarian cancer; BRCA1- and BRCA2-Associated Hereditary Breast and Ovarian Cancer. Identifiers: Orphanet 145, MedGen C0677776, MeSH D061325, MONDO:0003582. Disease mechanism: loss of function.
Hereditary cancer-predisposing syndrome. Also called: Neoplastic Syndromes, Hereditary; Hereditary Cancer Syndrome; Hereditary neoplastic syndrome; Tumor predisposition. Identifiers: Orphanet 140162, MedGen C0027672, MeSH D009386, MONDO:0015356.

Submissions (2):

University of Washington Department of Laboratory Medicine, University of Washington
Classification: Likely benign for Hereditary cancer-predisposing syndrome. Last evaluated: 2023-03-23. Review status: criteria provided, single submitter. Criteria: Dines et al. (Genet Med. 2020). Collection method: curation. Allele origin: germline.
Comment: Missense variant in a coldspot region where missense variants are very unlikely to be pathogenic (PMID:31911673).

BRCA1 coldspot (exon 11 using historical exon numbering). Reclassification based on statistical prior probability

Labcorp Genetics (formerly Invitae), Labcorp
Classification: Uncertain significance for Hereditary breast ovarian cancer syndrome. Last evaluated: 2017-06-18. Review status: criteria provided, single submitter. Criteria: Invitae Variant Classification Sherloc (09022015). Collection method: clinical testing. Allele origin: germline.
Comment: This variant has not been reported in the literature in individuals with BRCA1-related disease. Algorithms developed to predict the effect of sequence changes on RNA splicing suggest that this variant may create or strengthen a splice site, but this prediction has not been confirmed by published transcriptional studies. In summary, the available evidence is currently insufficient to determine the role of this variant in disease. Therefore, it has been classified as a Variant of Uncertain Significance. Experimental studies and protein effect prediction algorithms are not available for this variant, and the functional significance of the disrupted amino acid is currently unknown. This variant is not present in population databases (ExAC no frequency). This sequence change replaces glutamine with arginine at codon 544 of the BRCA1 protein (p.Gln544Arg).

NM_007294.4(BRCA1):c.1631_1632delinsGG (p.Gln544Arg)

Gene: BRCA1 (BRCA1 DNA repair associated; minus strand). Cytogenetic location: 17q21.31.
Variant type: Indel.
Coding change: c.1631_1632delinsGG on transcript NM_007294.4 (MANE Select); coding-DNA positions 1631 to 1632, AA replaced by GG.
Protein change: p.Gln544Arg; replaces glutamine 544 with arginine.
Molecular consequence: missense variant. On other transcripts: intron variant (137).
Genome position (GRCh38, 1-based): chr17:43,093,899-43,093,900, TT replaced by CC on the plus strand (AA replaced by GG on the coding strand, the reverse complement: BRCA1 is on the minus strand). VCF-style: chr17-43093899-TT-CC. GRCh37 (hg19) VCF-style: chr17-41245916-TT-CC.
Other names: c.1628_1629delinsGG, p.Gln543Arg (NM_001407631.1, NM_001407632.1, NM_001407637.1 and 22 more transcripts); c.1367_1368delinsGG, p.Gln456Arg (NM_001407924.1, NM_001407929.1, NM_001407926.1 and 9 more transcripts); c.784+844_784+845delinsGG (NM_001408399.1, NM_001407984.1, NM_001408407.1 and 13 more transcripts); c.787+844_787+845delinsGG (NM_001407983.1, NM_001407975.1, NM_001407971.1 and 19 more transcripts); c.1364_1365delinsGG, p.Gln455Arg (NM_001407930.1, NM_001407931.1, NM_001407932.1 and 2 more transcripts); c.664+844_664+845delinsGG (NM_001408443.1, NM_001408439.1, NM_001408425.1 and 12 more transcripts); c.670+1946_670+1947delinsGG (NM_001408419.1, NM_001408422.1, NM_001408418.1 and 2 more transcripts); c.1418_1419delinsGG, p.Gln473Arg (NM_001407571.1, NM_001407853.1, NM_001407894.1 and 9 more transcripts); and 40 more; short protein forms Q497R, Q544R, Q248R, Q476R, Q541R, Q543R, Q417R, Q432R.
Identifiers: ClinVar variation 462564 (VCV000462564.10), dbSNP rs1555591449, ClinGen allele CA658656764.